The following is an entry in ClinVar:

ClinVar aggregate classification (germline): Likely pathogenic (0 of 4 stars; one submission).

Conditions:
ADCY3-related disorder. Also called: ADCY3-related condition.

gnomAD v4.1: 1 of 1,612,566 alleles (0.000062%); highest among the groups gnomAD compares: African/African-American, 0.0013%; no homozygotes.

Submission:

PreventionGenetics, part of Exact Sciences
Classification: Likely pathogenic for ADCY3-related condition. Last evaluated: 2024-08-09. Review status: no assertion criteria provided. Collection method: clinical testing. Allele origin: germline.
Comment: The ADCY3 c.957-1G>A variant is predicted to disrupt the AG splice acceptor site and interfere with normal splicing. To our knowledge, this variant has not been reported in the literature. This variant is reported in 0.0063% of alleles in individuals of African descent in gnomAD. Variants that disrupt the consensus splice acceptor site in ADCY3 are expected to be pathogenic. This variant is interpreted as likely pathogenic.

NM_004036.5(ADCY3):c.957-1G>A

Gene: ADCY3 (adenylate cyclase 3; minus strand). Cytogenetic location: 2p23.3.
Variant type: single nucleotide variant.
Coding change: c.957-1G>A on transcript NM_004036.5 (MANE Select); the canonical splice acceptor site of the intron before coding-DNA position 957, G replaced by A.
Molecular consequence: splice acceptor variant.
Genome position (GRCh38, 1-based): chr2:24,841,668, C>T on the plus strand (G>A on the coding strand, the complement: ADCY3 is on the minus strand). VCF-style: chr2-24841668-C-T. GRCh37 (hg19) VCF-style: chr2-25064537-C-T.
Other names: c.957-1G>A (NM_001377130.1, NM_001377129.1, NM_001320613.2 and 2 more transcripts); c.234-1G>A (NM_001377131.1).
Identifiers: ClinVar variation 3344557 (VCV003344557.1).